The following is an entry in ClinVar:

NM_000094.4(COL7A1):c.2432G>A (p.Arg811Gln)

Gene: COL7A1 (collagen type VII alpha 1 chain; minus strand). Cytogenetic location: 3p21.31.
Variant type: single nucleotide variant.
Coding change: c.2432G>A on transcript NM_000094.4 (MANE Select); coding-DNA position 2432, G replaced by A.
Protein change: p.Arg811Gln; replaces arginine 811 with glutamine.
Molecular consequence: missense variant.
Genome position (GRCh38, 1-based): chr3:48,588,878, C>T on the plus strand (G>A on the coding strand, the complement: COL7A1 is on the minus strand). VCF-style: chr3-48588878-C-T. GRCh37 (hg19) VCF-style: chr3-48626311-C-T.
Other names: short protein forms R811Q.
Identifiers: ClinVar variation 2067088 (VCV002067088.1), dbSNP rs1559427559, ClinGen allele CA352720278.
Genomic context (GRCh38, chr3:48,588,878, plus strand): 5'-GGGGTGAGCAGTCCCAGCCAGGAAGGACAGGGGTGGCGTCAGGGAGCCATACCTTCACTC[C>T]GGCCCCAGGCCAGTCTGTAAGCTGTGGCTCCAGTGACCCCTACCCAGGTGATCCGTAGAA-3'
Protein context (NP_000085.1, residues 801-821): GATAYRLAWG[Arg811Gln]SEGGPMRHQI

ClinVar aggregate classification (germline): Uncertain significance (1 of 4 stars; one submission).

gnomAD v4.1: 8 of 1,613,526 alleles (0.0005%); highest among the groups gnomAD compares: South Asian, 0.0022%; no homozygotes.

Submission:

Labcorp Genetics (formerly Invitae), Labcorp
Classification: Uncertain significance. Last evaluated: 2022-09-02. Review status: criteria provided, single submitter. Criteria: Invitae Variant Classification Sherloc (09022015). Collection method: clinical testing. Allele origin: germline.
Comment: This sequence change replaces arginine, which is basic and polar, with glutamine, which is neutral and polar, at codon 811 of the COL7A1 protein (p.Arg811Gln). This variant is not present in population databases (gnomAD no frequency). This variant has not been reported in the literature in individuals affected with COL7A1-related conditions. Advanced modeling of protein sequence and biophysical properties (such as structural, functional, and spatial information, amino acid conservation, physicochemical variation, residue mobility, and thermodynamic stability) performed at Invitae indicates that this missense variant is not expected to disrupt COL7A1 protein function. In summary, the available evidence is currently insufficient to determine the role of this variant in disease. Therefore, it has been classified as a Variant of Uncertain Significance.